The following is an entry in ClinVar:

NM_030780.5(SLC25A32):c.802A>G (p.Lys268Glu)

Gene: SLC25A32 (solute carrier family 25 member 32; minus strand). Cytogenetic location: 8q22.3.
Variant type: single nucleotide variant.
Coding change: c.802A>G on transcript NM_030780.5 (MANE Select); coding-DNA position 802, A replaced by G.
Protein change: p.Lys268Glu; replaces lysine 268 with glutamic acid.
Molecular consequence: missense variant. On other transcripts: non-coding transcript variant (2).
Genome position (GRCh38, 1-based): chr8:103,401,526, T>C on the plus strand (A>G on the coding strand, the complement: SLC25A32 is on the minus strand). VCF-style: chr8-103401526-T-C. GRCh37 (hg19) VCF-style: chr8-104413754-T-C.
Other names: short protein forms K268E.
Identifiers: ClinVar variation 1985044 (VCV001985044.4), dbSNP rs762781054, ClinGen allele CA4835369.

ClinVar aggregate classification (germline): Uncertain significance (1 of 4 stars; one submission).

Allele frequency attached by ClinVar (database versions not stated): ExAC 0.00001; gnomAD 0.00001; gnomAD exomes 0.00001; TOPMed 0.00001.

Submission:

Labcorp Genetics (formerly Invitae), Labcorp
Classification: Uncertain significance. Last evaluated: 2024-10-22. Review status: criteria provided, single submitter. Criteria: Invitae Variant Classification Sherloc (09022015). Collection method: clinical testing. Allele origin: germline.
Comment: This sequence change replaces lysine, which is basic and polar, with glutamic acid, which is acidic and polar, at codon 268 of the SLC25A32 protein (p.Lys268Glu). This variant is present in population databases (rs762781054, gnomAD 0.002%). This variant has not been reported in the literature in individuals affected with SLC25A32-related conditions. ClinVar contains an entry for this variant (Variation ID: 1985044). Invitae Evidence Modeling of protein sequence and biophysical properties (such as structural, functional, and spatial information, amino acid conservation, physicochemical variation, residue mobility, and thermodynamic stability) indicates that this missense variant is not expected to disrupt SLC25A32 protein function with a negative predictive value of 80%. In summary, the available evidence is currently insufficient to determine the role of this variant in disease. Therefore, it has been classified as a Variant of Uncertain Significance.